The following is an entry in ClinVar:

NM_001308093.3(GATA4):c.1073G>T (p.Ser358Ile)

Gene: GATA4 (GATA binding protein 4). Cytogenetic location: 8p23.1.
Variant type: single nucleotide variant.
Coding change: c.1073G>T on transcript NM_001308093.3 (MANE Select); coding-DNA position 1073, G replaced by T.
Protein change: p.Ser358Ile; replaces serine 358 with isoleucine.
Molecular consequence: missense variant.
Genome position (GRCh38, 1-based): chr8:11,757,007, G>T. VCF-style: chr8-11757007-G-T. GRCh37 (hg19) VCF-style: chr8-11614516-G-T.
Other names: c.452G>T, p.Ser151Ile (NM_001308094.2, NM_001374273.1); c.326G>T, p.Ser109Ile (NM_001374274.1); c.1070G>T, p.Ser357Ile (NM_002052.5); short protein forms S358I, S357I, S109I, S151I.
Identifiers: ClinVar variation 3700760 (VCV003700760.2).

ClinVar aggregate classification (germline): Uncertain significance (1 of 4 stars; one submission).

Conditions:
Atrioventricular septal defect 4 (AVSD4). Identifiers: MedGen C3280781, MONDO:0013747, OMIM 614430.

Submission:

Labcorp Genetics (formerly Invitae), Labcorp
Classification: Uncertain significance for Atrioventricular septal defect 4. Last evaluated: 2024-07-02. Review status: criteria provided, single submitter. Criteria: Invitae Variant Classification Sherloc (09022015). Collection method: clinical testing. Allele origin: germline.
Comment: This sequence change replaces serine, which is neutral and polar, with isoleucine, which is neutral and non-polar, at codon 357 of the GATA4 protein (p.Ser357Ile). This variant is not present in population databases (gnomAD no frequency). This variant has not been reported in the literature in individuals affected with GATA4-related conditions. Advanced modeling of protein sequence and biophysical properties (such as structural, functional, and spatial information, amino acid conservation, physicochemical variation, residue mobility, and thermodynamic stability) performed at Invitae indicates that this missense variant is not expected to disrupt GATA4 protein function with a negative predictive value of 80%. In summary, the available evidence is currently insufficient to determine the role of this variant in disease. Therefore, it has been classified as a Variant of Uncertain Significance.